The following is an entry in ClinVar:

ClinVar aggregate classification (germline): Benign (0 of 4 stars; one submission).

Conditions:
NFASC-related disorder. Also called: NFASC-related condition.

Allele frequency attached by ClinVar (database versions not stated): 1000 Genomes Project 30x 0.01468; 1000 Genomes Project 0.01498; TOPMed 0.01929; gnomAD 0.01997; ESP Exome Variant Server 0.02322; ExAC 0.03327.
gnomAD v4.1: 43,473 of 1,570,408 alleles (2.8%); highest among the groups gnomAD compares: Middle Eastern, 7.5%; 778 homozygotes.

Submission:

PreventionGenetics, part of Exact Sciences
Classification: Benign for NFASC-related condition. Last evaluated: 2019-03-20. Review status: no assertion criteria provided. Collection method: clinical testing. Allele origin: germline.
Comment: This variant is classified as benign based on ACMG/AMP sequence variant interpretation guidelines (Richards et al. 2015 PMID: 25741868, with internal and published modifications).

NM_001005388.3(NFASC):c.2460C>T (p.Ser820=)

Gene: NFASC (neurofascin; plus strand). Cytogenetic location: 1q32.1.
Variant type: single nucleotide variant.
Coding change: c.2460C>T on transcript NM_001005388.3 (MANE Select); coding-DNA position 2460, C replaced by T.
Protein change: p.Ser820=; no amino-acid change (serine 820 retained).
Molecular consequence: synonymous variant.
Genome position (GRCh38, 1-based): chr1:204,982,010, C>T. VCF-style: chr1-204982010-C-T. GRCh37 (hg19) VCF-style: chr1-204951138-C-T.
Other names: c.2493C>T, p.Ser831= (NM_001160331.2); c.2448C>T, p.Ser816= (NM_001160332.2, NM_001365986.1, NM_015090.4); c.2460C>T, p.Ser820= (NM_001378329.1).
Identifiers: ClinVar variation 3037774 (VCV003037774.2), dbSNP rs61741829, ClinGen allele CA1350272.